The following is an entry in ClinVar:

ClinVar aggregate classification (germline): Benign (1 of 4 stars; one submission).

Conditions:
Familial cancer of breast. Also called: BREAST CANCER, FAMILIAL; Hereditary breast cancer; hereditary breast carcinoma. Identifiers: Orphanet 227535, MedGen C0346153, MONDO:0016419, OMIM 114480. Disease mechanism: loss of function.

Allele frequency attached by ClinVar (database versions not stated): gnomAD exomes below 0.00001.
gnomAD v4.1: 1 of 1,613,976 alleles (0.000062%); highest among the groups gnomAD compares: East Asian, 0.0022%; no homozygotes.

Submission:

Myriad Genetics, Inc.
Classification: Benign for Familial cancer of breast. Last evaluated: 2024-05-08. Review status: criteria provided, single submitter. Criteria: Myriad Autosomal Dominant, Autosomal Recessive and X-Linked Classification Criteria (2023). Collection method: clinical testing. Allele origin: unknown.
Comment: This variant is considered benign. This variant is a silent/synonymous amino acid change and it is not expected to impact splicing.

NM_000051.4(ATM):c.2313C>T (p.Phe771=)

Gene: ATM (ATM serine/threonine kinase; plus strand). Cytogenetic location: 11q22.3.
Variant type: single nucleotide variant.
Coding change: c.2313C>T on transcript NM_000051.4 (MANE Select); coding-DNA position 2313, C replaced by T.
Protein change: p.Phe771=; no amino-acid change (phenylalanine 771 retained).
Molecular consequence: synonymous variant.
Genome position (GRCh38, 1-based): chr11:108,257,543, C>T. VCF-style: chr11-108257543-C-T. GRCh37 (hg19) VCF-style: chr11-108128270-C-T.
Other names: c.2313C>T, p.Phe771= (NM_001351834.2).
Identifiers: ClinVar variation 3254168 (VCV003254168.1), dbSNP rs2135406964.